The following is an entry in ClinVar:

NM_000179.3(MSH6):c.1159del (p.Asp387fs)

Gene: MSH6 (mutS homolog 6; plus strand). Cytogenetic location: 2p16.3.
Variant type: Deletion.
Coding change: c.1159del on transcript NM_000179.3 (MANE Select); coding-DNA position 1159, one base deleted (G; older notation c.1159delG).
Protein change: p.Asp387fs; shifts the reading frame from aspartic acid 387.
Molecular consequence: frameshift variant.
Genome position (GRCh38, 1-based): chr2:47,799,142, G deleted. VCF-style (leftmost placement, unchanged base first): chr2-47799141-TG-T. GRCh37 (hg19) VCF-style: chr2-48026280-TG-T.
Other names: c.1159delG (NM_000179.2); c.769del, p.Asp257fs (NM_001281492.2); c.253del, p.Asp85fs (NM_001281493.2, NM_001281494.2); short protein forms D387fs, D85fs, D257fs.
Identifiers: ClinVar variation 973407 (VCV000973407.3), dbSNP rs1669301838, ClinGen allele CA1139657008.

ClinVar aggregate classification (germline): Pathogenic. Review status: criteria provided, single submitter (1 of 4 stars). 2 submissions from 2 submitters: Pathogenic (1). 1 of the submissions does not count toward it. Last evaluated 2023-06-07.

Conditions:
Hereditary cancer-predisposing syndrome. Also called: Hereditary Cancer Syndrome; Hereditary neoplastic syndrome; Tumor predisposition; Neoplastic Syndromes, Hereditary. Identifiers: Orphanet 140162, MedGen C0027672, MeSH D009386, MONDO:0015356.
Lynch-like syndrome.

Submissions (2):

Ambry Genetics
Classification: Pathogenic for Hereditary cancer-predisposing syndrome. Last evaluated: 2023-06-07. Review status: criteria provided, single submitter. Criteria: Ambry Variant Classification Scheme 2023. Collection method: clinical testing. Allele origin: germline.
Comment: The c.1159delG pathogenic mutation, located in coding exon 4 of the MSH6 gene, results from a deletion of one nucleotide at nucleotide position 1159, causing a translational frameshift with a predicted alternate stop codon (p.D387Ifs*24). This variant is considered to be rare based on population cohorts in the Genome Aggregation Database (gnomAD). This alteration is expected to result in loss of function by premature protein truncation or nonsense-mediated mRNA decay. As such, this alteration is interpreted as a disease-causing mutation.

Constitutional Genetics Lab, Leon Berard Cancer Center
Classification: Pathogenic for Lynch-like syndrome. Last evaluated: 2019-07-01. Review status: no assertion criteria provided. Collection method: clinical testing. Allele origin: somatic. Affected: yes. Not counted in ClinVar's aggregate classification.